The following is an entry in ClinVar:

NM_005732.4(RAD50):c.3170A>G (p.His1057Arg)

Gene: RAD50 (RAD50 double strand break repair protein; plus strand). Cytogenetic location: 5q31.1.
Variant type: single nucleotide variant.
Coding change: c.3170A>G on transcript NM_005732.4 (MANE Select); coding-DNA position 3170, A replaced by G.
Protein change: p.His1057Arg; replaces histidine 1057 with arginine.
Molecular consequence: missense variant.
Genome position (GRCh38, 1-based): chr5:132,618,075, A>G. VCF-style: chr5-132618075-A-G. GRCh37 (hg19) VCF-style: chr5-131953767-A-G.
Other names: c.3170A>G (NM_005732.3); short protein forms H1057R.
Identifiers: ClinVar variation 1721056 (VCV001721056.7), dbSNP rs2479388094, ClinGen allele CA360964185.
Genomic context (GRCh38, chr5:132,618,075, plus strand): 5'-TCAGGTTGTTAAAAGCTAAAAAATGGTCCTCATTTGTCATTTTTCTTTTTTACAGTGAAC[A>G]TCAGAAGTTGGAAGAGAACATAGACAATATAAAAAGAAATCATAATTTGGCATTAGGGCG-3'
Protein context (NP_005723.2, residues 1047-1067): QMQVLQMKSE[His1057Arg]QKLEENIDNI

ClinVar aggregate classification (germline): Uncertain significance. Review status: criteria provided, multiple submitters, no conflicts (2 of 4 stars). 2 submissions from 2 submitters: Uncertain significance (2). Last evaluated 2025-01-19.

Conditions:
Hereditary cancer-predisposing syndrome. Also called: Hereditary neoplastic syndrome; Neoplastic Syndromes, Hereditary; Hereditary Cancer Syndrome; Tumor predisposition. Identifiers: Orphanet 140162, MedGen C0027672, MeSH D009386, MONDO:0015356.

Submissions (2):

Ambry Genetics
Classification: Uncertain significance for Hereditary cancer-predisposing syndrome. Last evaluated: 2025-01-19. Review status: criteria provided, single submitter. Criteria: Ambry Variant Classification Scheme 2023. Collection method: clinical testing. Allele origin: germline.
Comment: The p.H1057R variant (also known as c.3170A>G), located in coding exon 21 of the RAD50 gene, results from an A to G substitution at nucleotide position 3170. The histidine at codon 1057 is replaced by arginine, an amino acid with highly similar properties. This amino acid position is conserved. In addition, this alteration is predicted to be tolerated by in silico analysis. Based on the available evidence, the clinical significance of this variant remains unclear.

Labcorp Genetics (formerly Invitae), Labcorp
Classification: Uncertain significance for Hereditary cancer-predisposing syndrome. Last evaluated: 2024-04-10. Review status: criteria provided, single submitter. Criteria: Invitae Variant Classification Sherloc (09022015). Collection method: clinical testing. Allele origin: germline.
Comment: This sequence change replaces histidine, which is basic and polar, with arginine, which is basic and polar, at codon 1057 of the RAD50 protein (p.His1057Arg). This variant is not present in population databases (gnomAD no frequency). This variant has not been reported in the literature in individuals affected with RAD50-related conditions. ClinVar contains an entry for this variant (Variation ID: 1721056). Advanced modeling of protein sequence and biophysical properties (such as structural, functional, and spatial information, amino acid conservation, physicochemical variation, residue mobility, and thermodynamic stability) performed at Invitae indicates that this missense variant is not expected to disrupt RAD50 protein function with a negative predictive value of 80%. In summary, the available evidence is currently insufficient to determine the role of this variant in disease. Therefore, it has been classified as a Variant of Uncertain Significance.